The following is an entry in ClinVar:

ClinVar aggregate classification (germline): Uncertain significance (1 of 4 stars; one submission).

Conditions:
Pulmonary hypertension, primary, 2. Identifiers: Orphanet 422, MedGen C3888002, MONDO:0014134, OMIM 615342.

gnomAD v4.1: 7 of 1,613,948 alleles (0.00043%); highest among the groups gnomAD compares: African/African-American, 0.0053%; no homozygotes.

Submission:

Labcorp Genetics (formerly Invitae), Labcorp
Classification: Uncertain significance for Pulmonary hypertension, primary, 2. Last evaluated: 2024-03-25. Review status: criteria provided, single submitter. Criteria: Invitae Variant Classification Sherloc (09022015). Collection method: clinical testing. Allele origin: germline.
Comment: This sequence change replaces phenylalanine, which is neutral and non-polar, with serine, which is neutral and polar, at codon 181 of the SMAD9 protein (p.Phe181Ser). This variant is present in population databases (no rsID available, gnomAD 0.01%). This variant has not been reported in the literature in individuals affected with SMAD9-related conditions. Advanced modeling of protein sequence and biophysical properties (such as structural, functional, and spatial information, amino acid conservation, physicochemical variation, residue mobility, and thermodynamic stability) performed at Invitae indicates that this missense variant is not expected to disrupt SMAD9 protein function with a negative predictive value of 80%. In summary, the available evidence is currently insufficient to determine the role of this variant in disease. Therefore, it has been classified as a Variant of Uncertain Significance.

NM_001127217.3(SMAD9):c.542T>C (p.Phe181Ser)

Gene: SMAD9 (SMAD family member 9; minus strand). Cytogenetic location: 13q13.3.
Variant type: single nucleotide variant.
Coding change: c.542T>C on transcript NM_001127217.3 (MANE Select); coding-DNA position 542, T replaced by C.
Protein change: p.Phe181Ser; replaces phenylalanine 181 with serine.
Molecular consequence: missense variant.
Genome position (GRCh38, 1-based): chr13:36,872,786, A>G on the plus strand (T>C on the coding strand, the complement: SMAD9 is on the minus strand). VCF-style: chr13-36872786-A-G. GRCh37 (hg19) VCF-style: chr13-37446923-A-G.
Other names: c.542T>C, p.Phe181Ser (NM_001378621.1, NM_005905.6); short protein forms F181S.
Identifiers: ClinVar variation 3729232 (VCV003729232.1).
Genomic context (GRCh38, chr13:36,872,786, plus strand): 5'-GGGGACTGGGAGAACGCGTGGCTGGGTGAGGGAGGGAGTGCAGAGCACGGAGGCTGCTGG[A>G]AAGAGTCAGGATAGGTGGCGTTGTGTGGCATGAGTGGCTCACTGTGCAGGGAGGCGCTGC-3'
Protein context (NP_001120689.1, residues 171-191): MPHNATYPDS[Phe181Ser]QQPPCSALPP